The following is an entry in ClinVar:

ClinVar aggregate classification (germline): Conflicting classifications of pathogenicity. Review status: criteria provided, conflicting classifications (1 of 4 stars). 2 submissions from 2 submitters: Uncertain significance (1); Likely benign (1). Last evaluated 2025-02-26.

Conditions:
Hereditary cancer-predisposing syndrome. Also called: Neoplastic Syndromes, Hereditary; Hereditary Cancer Syndrome; Hereditary neoplastic syndrome; Tumor predisposition. Identifiers: Orphanet 140162, MedGen C0027672, MeSH D009386, MONDO:0015356.
Familial cancer of breast. Also called: BREAST CANCER, FAMILIAL; Hereditary breast cancer; hereditary breast carcinoma. Identifiers: Orphanet 227535, MedGen C0346153, MONDO:0016419, OMIM 114480. Disease mechanism: loss of function.

Allele frequency attached by ClinVar (database versions not stated): gnomAD exomes below 0.00001.
gnomAD v4.1: 7 of 1,614,116 alleles (0.00043%); highest among the groups gnomAD compares: Non-Finnish European, 0.00059%; no homozygotes.

Submissions (2):

Ambry Genetics
Classification: Likely benign for Hereditary cancer-predisposing syndrome. Last evaluated: 2025-02-26. Review status: criteria provided, single submitter. Criteria: Ambry Variant Classification Scheme 2023. Collection method: clinical testing. Allele origin: germline.

Labcorp Genetics (formerly Invitae), Labcorp
Classification: Uncertain significance for Familial cancer of breast. Last evaluated: 2021-05-04. Review status: criteria provided, single submitter. Criteria: Invitae Variant Classification Sherloc (09022015). Collection method: clinical testing. Allele origin: germline.
Comment: This sequence change replaces threonine with serine at codon 361 of the PALB2 protein (p.Thr361Ser). The threonine residue is weakly conserved and there is a small physicochemical difference between threonine and serine. In summary, this variant is a novel missense change that is not predicted to affect protein function. There is no indication that it causes disease, but the available evidence is currently insufficient to prove that conclusively. Therefore, it has been classified as a Variant of Uncertain Significance. Algorithms developed to predict the effect of missense changes on protein structure and function output the following: (SIFT: "Tolerated"; PolyPhen-2: "Benign"; Align-GVGD: "Class C0"). The serine amino acid residue is found in multiple mammalian species, suggesting that this missense change does not adversely affect protein function. These predictions have not been confirmed by published functional studies. This variant is not present in population databases (ExAC no frequency) and has not been reported in the literature in individuals with a PALB2-related disease.

NM_024675.4(PALB2):c.1082C>G (p.Thr361Ser)

Gene: PALB2 (partner and localizer of BRCA2; minus strand). Cytogenetic location: 16p12.2.
Variant type: single nucleotide variant.
Coding change: c.1082C>G on transcript NM_024675.4 (MANE Select); coding-DNA position 1082, C replaced by G.
Protein change: p.Thr361Ser; replaces threonine 361 with serine.
Molecular consequence: missense variant.
Genome position (GRCh38, 1-based): chr16:23,635,464, G>C on the plus strand (C>G on the coding strand, the complement: PALB2 is on the minus strand). VCF-style: chr16-23635464-G-C. GRCh37 (hg19) VCF-style: chr16-23646785-G-C.
Other names: short protein forms T361S.
Identifiers: ClinVar variation 460876 (VCV000460876.12), dbSNP rs1345668733, ClinGen allele CA395133936.